The following is an entry in ClinVar:

ClinVar aggregate classification (germline): Uncertain significance. Review status: criteria provided, multiple submitters, no conflicts (2 of 4 stars). 2 submissions from 2 submitters: Uncertain significance (2). Last evaluated 2026-02-17.

Allele frequency attached by ClinVar (database versions not stated): gnomAD exomes below 0.00001.
gnomAD v4.1: 2 of 1,614,106 alleles (0.00012%); highest among the groups gnomAD compares: Non-Finnish European, 0.00017%; no homozygotes.

Submissions (2):

GeneDx
Classification: Uncertain significance. Last evaluated: 2026-02-17. Review status: criteria provided, single submitter. Criteria: GeneDx Variant Classification Process June 2021. Collection method: clinical testing. Allele origin: germline.
Comment: Not observed at significant frequency in large population cohorts (gnomAD); In silico analysis suggests that this missense variant does not alter protein structure/function; Has not been previously published as pathogenic or benign to our knowledge; Not located in the triple helical region, where the majority of pathogenic missense variants occur (HGMD)

Labcorp Genetics (formerly Invitae), Labcorp
Classification: Uncertain significance. Last evaluated: 2023-02-16. Review status: criteria provided, single submitter. Criteria: Invitae Variant Classification Sherloc (09022015). Collection method: clinical testing. Allele origin: germline.
Comment: This sequence change replaces glycine, which is neutral and non-polar, with arginine, which is basic and polar, at codon 126 of the COL2A1 protein (p.Gly126Arg). This variant is present in population databases (no rsID available, gnomAD 0.0009%). This variant has not been reported in the literature in individuals affected with COL2A1-related conditions. Experimental studies and prediction algorithms are not available or were not evaluated, and the functional significance of this variant is currently unknown. In summary, the available evidence is currently insufficient to determine the role of this variant in disease. Therefore, it has been classified as a Variant of Uncertain Significance.

NM_001844.5(COL2A1):c.376G>A (p.Gly126Arg)

Gene: COL2A1 (collagen type II alpha 1 chain; minus strand). Cytogenetic location: 12q13.11.
Variant type: single nucleotide variant.
Coding change: c.376G>A on transcript NM_001844.5 (MANE Select); coding-DNA position 376, G replaced by A.
Protein change: p.Gly126Arg; replaces glycine 126 with arginine.
Molecular consequence: missense variant.
Genome position (GRCh38, 1-based): chr12:47,997,924, C>T on the plus strand (G>A on the coding strand, the complement: COL2A1 is on the minus strand). VCF-style: chr12-47997924-C-T. GRCh37 (hg19) VCF-style: chr12-48391707-C-T.
Other names: c.169G>A, p.Gly57Arg (NM_033150.3); c.376G>A (NM_001844.4); short protein forms G126R, G57R.
Identifiers: ClinVar variation 2837948 (VCV002837948.4), dbSNP rs1228023557, ClinGen allele CA384525048.